The following is an entry in ClinVar:

ClinVar aggregate classification (germline): Uncertain significance (1 of 4 stars; one submission).

Conditions:
Inborn genetic diseases. Identifiers: MedGen C0950123, MeSH D030342.

gnomAD v4.1: 2 of 1,613,976 alleles (0.00012%); highest among the groups gnomAD compares: Non-Finnish European, 0.00017%; no homozygotes.

Submission:

Ambry Genetics
Classification: Uncertain significance for Inborn genetic diseases. Last evaluated: 2025-05-16. Review status: criteria provided, single submitter. Criteria: Ambry Variant Classification Scheme 2023. Collection method: clinical testing. Allele origin: germline.
Comment: The p.I50F variant (also known as c.148A>T), located in coding exon 1 of the ANKRD26 gene, results from an A to T substitution at nucleotide position 148. The isoleucine at codon 50 is replaced by phenylalanine, an amino acid with highly similar properties. This amino acid position is conserved. In addition, this alteration is predicted to be tolerated by in silico analysis. Based on the available evidence, the clinical significance of this variant remains unclear.

NM_014915.3(ANKRD26):c.148A>T (p.Ile50Phe)

Genes: ANKRD26 (ankyrin repeat domain containing 26; minus strand), LOC130003554 (ATAC-STARR-seq lymphoblastoid silent region 2243; plus strand). Cytogenetic location: 10p12.1.
Variant type: single nucleotide variant.
Coding change: c.148A>T on transcript NM_014915.3 (MANE Select); coding-DNA position 148, A replaced by T.
Protein change: p.Ile50Phe; replaces isoleucine 50 with phenylalanine.
Molecular consequence: missense variant.
Genome position (GRCh38, 1-based): chr10:27,100,179, T>A on the plus strand (A>T on the coding strand, the complement: ANKRD26 is on the minus strand). VCF-style: chr10-27100179-T-A. GRCh37 (hg19) VCF-style: chr10-27389108-T-A.
Other names: c.148A>T, p.Ile50Phe (NM_001256053.2); short protein forms I50F.
Identifiers: ClinVar variation 3914487 (VCV003914487.1).
Genomic context (GRCh38, chr10:27,100,179, plus strand): 5'-TCCTGAGCAAAAGGATCTGCTGCACTTTCGCCACATTACCCGCGCTGGCAGCTTTGTGGA[T>A]CTTGCCGAGATCTCGGTCTCGGACGTGGTAGCCGGGCTGCGAGTAGGCGCCCTCCCCCGG-3'
Protein context (NP_055730.2, residues 40-60): YHVRDRDLGK[Ile50Phe]HKAASAGNVA